The following is an entry in ClinVar:

NM_207034.3(EDN3):c.677C>T (p.Ser226Phe)

Gene: EDN3 (endothelin 3; plus strand). Cytogenetic location: 20q13.32.
Variant type: single nucleotide variant.
Coding change: c.677C>T on transcript NM_207034.3 (MANE Select); coding-DNA position 677, C replaced by T.
Protein change: p.Ser226Phe; replaces serine 226 with phenylalanine.
Molecular consequence: missense variant. On other transcripts: 3 prime UTR variant (3).
Genome position (GRCh38, 1-based): chr20:59,324,419, C>T. VCF-style: chr20-59324419-C-T. GRCh37 (hg19) VCF-style: chr20-57899474-C-T.
Other names: c.*84C>T (NM_001302455.2); c.*52C>T (NM_001302456.2, NM_207032.3); c.635C>T, p.Ser212Phe (NM_207033.3); short protein forms S212F, S226F.
Identifiers: ClinVar variation 1329819 (VCV001329819.2), dbSNP rs200741552, ClinGen allele CA316926506.

ClinVar aggregate classification (germline): Uncertain significance (1 of 4 stars; one submission).

Allele frequency attached by ClinVar (database versions not stated): gnomAD 0.00001; gnomAD exomes 0.00001 and 0.00004; TOPMed 0.00001.

Submission:

GeneDx
Classification: Uncertain significance. Last evaluated: 2021-06-21. Review status: criteria provided, single submitter. Criteria: GeneDx Variant Classification Process June 2021. Collection method: clinical testing. Allele origin: germline. Affected: yes.
Comment: In silico analysis supports that this missense variant does not alter protein structure/function; Has not been previously published as pathogenic or benign to our knowledge; This variant is associated with the following publications: (PMID: 27535533)